The following is an entry in ClinVar:

NM_006302.3(MOGS):c.1204del (p.Ile402fs)

Gene: MOGS (mannosyl-oligosaccharide glucosidase; minus strand). Cytogenetic location: 2p13.1.
Variant type: Deletion.
Coding change: c.1204del on transcript NM_006302.3 (MANE Select); coding-DNA position 1204, one base deleted (A; older notation c.1204delA).
Protein change: p.Ile402fs; shifts the reading frame from isoleucine 402.
Molecular consequence: frameshift variant.
Genome position (GRCh38, 1-based): chr2:74,462,585, T deleted on the plus strand (A on the coding strand, the reverse complement: MOGS is on the minus strand); the first of 2 consecutive T bases (chr2:74,462,585-74,462,586); deleting either gives the same sequence. VCF-style (leftmost placement, unchanged base first): chr2-74462584-AT-A. GRCh37 (hg19) VCF-style: chr2-74689711-AT-A.
Other names: c.886del, p.Ile296fs (NM_001146158.2); short protein forms I402fs, I296fs.
Identifiers: ClinVar variation 2022184 (VCV002022184.4), dbSNP rs2529496158, ClinGen allele CA2580068183.

ClinVar aggregate classification (germline): Pathogenic (1 of 4 stars; one submission).

Conditions:
MOGS-congenital disorder of glycosylation. Also called: CDG 2B; CDG IIb; MOGS-CDG; GLUCOSIDASE I DEFICIENCY. Identifiers: Orphanet 79330, MedGen C1853736, MONDO:0011629, OMIM 606056.

Submission:

Labcorp Genetics (formerly Invitae), Labcorp
Classification: Pathogenic for MOGS-congenital disorder of glycosylation. Last evaluated: 2023-04-24. Review status: criteria provided, single submitter. Criteria: Invitae Variant Classification Sherloc (09022015). Collection method: clinical testing. Allele origin: germline.
Comment: For these reasons, this variant has been classified as Pathogenic. This variant disrupts a region of the MOGS protein in which other variant(s) (p.Arg535*) have been determined to be pathogenic (PMID: 29235540, 33261925). This suggests that this is a clinically significant region of the protein, and that variants that disrupt it are likely to be disease-causing. ClinVar contains an entry for this variant (Variation ID: 2022184). This variant has not been reported in the literature in individuals affected with MOGS-related conditions. This variant is not present in population databases (gnomAD no frequency). This sequence change creates a premature translational stop signal (p.Ile402Leufs*77) in the MOGS gene. While this is not anticipated to result in nonsense mediated decay, it is expected to disrupt the last 436 amino acid(s) of the MOGS protein.

Literature cited by the submitters: PubMed 29235540; PubMed 33261925.